The following is an entry in ClinVar:

NM_000138.5(FBN1):c.6442T>C (p.Ser2148Pro)

Gene: FBN1 (fibrillin 1; minus strand). Cytogenetic location: 15q21.1.
Variant type: single nucleotide variant.
Coding change: c.6442T>C on transcript NM_000138.5 (MANE Select); coding-DNA position 6442, T replaced by C.
Protein change: p.Ser2148Pro; replaces serine 2148 with proline.
Molecular consequence: missense variant.
Genome position (GRCh38, 1-based): chr15:48,437,015, A>G on the plus strand (T>C on the coding strand, the complement: FBN1 is on the minus strand). VCF-style: chr15-48437015-A-G. GRCh37 (hg19) VCF-style: chr15-48729212-A-G.
Other names: c.6442T>C, p.Ser2148Pro (NM_001406716.1); short protein forms S2148P.
Identifiers: ClinVar variation 3236095 (VCV003236095.1), dbSNP rs2505435830, ClinGen allele CA392336568.

ClinVar aggregate classification (germline): Uncertain significance (1 of 4 stars; one submission).

Conditions:
Marfan syndrome (MFS). Also called: MARFAN SYNDROME, TYPE I; Marfan syndrome type 1; Marfan's syndrome; Marfan syndrome, classic; FBN1-Related Marfan Syndrome. Identifiers: Orphanet 284963, Orphanet 558, MedGen C0024796, MONDO:0007947, OMIM 154700.

Submission:

MVZ Medizinische Genetik Mainz
Classification: Uncertain significance for Marfan syndrome. Last evaluated: 2023-10-20. Review status: criteria provided, single submitter. Criteria: UK Practice Guidelines For Variant Classification V4 01 2020. Collection method: clinical testing. Allele origin: germline. Inheritance: Autosomal dominant inheritance. Affected: yes. Observed: 1 variant allele.
Comment: ACMG Criteria: PM2_SUP,PP2,PP3